The following is an entry in ClinVar:

NM_004006.3(DMD):c.8378C>G (p.Ser2793Cys)

Gene: DMD (dystrophin; minus strand). Cytogenetic location: Xp21.1.
Variant type: single nucleotide variant.
Coding change: c.8378C>G on transcript NM_004006.3 (MANE Select); coding-DNA position 8378, C replaced by G.
Protein change: p.Ser2793Cys; replaces serine 2793 with cysteine.
Molecular consequence: missense variant.
Genome position (GRCh38, 1-based): chrX:31,507,293, G>C on the plus strand (C>G on the coding strand, the complement: DMD is on the minus strand). VCF-style: chrX-31507293-G-C. GRCh37 (hg19) VCF-style: chrX-31525410-G-C.
Other names: c.8354C>G, p.Ser2785Cys (NM_000109.4); c.8366C>G, p.Ser2789Cys (NM_004009.3); c.8009C>G, p.Ser2670Cys (NM_004010.3); c.4355C>G, p.Ser1452Cys (NM_004011.4); c.4346C>G, p.Ser1449Cys (NM_004012.4); c.998C>G, p.Ser333Cys (NM_004013.3, NM_004020.4, NM_004021.3 and 2 more transcripts); c.191C>G, p.Ser64Cys (NM_004014.3); short protein forms S1452C, S2670C, S64C, S2785C, S2793C, S1449C, S2789C, S333C.
Identifiers: ClinVar variation 1957405 (VCV001957405.6), dbSNP rs770897689, ClinGen allele CA10378086.

ClinVar aggregate classification (germline): Uncertain significance. Review status: criteria provided, multiple submitters, no conflicts (2 of 4 stars). 2 submissions from 2 submitters: Uncertain significance (2). Last evaluated 2025-08-11.

Conditions:
Duchenne muscular dystrophy (DMD). Also called: MUSCULAR DYSTROPHY, PSEUDOHYPERTROPHIC PROGRESSIVE, DUCHENNE TYPE; Duchenne Muscular Dystrophy (DMD). Identifiers: Orphanet 98896, MedGen C0013264, MONDO:0010679, OMIM 310200.

Allele frequency attached by ClinVar (database versions not stated): ExAC 0.00001.

Submissions (2):

Labcorp Genetics (formerly Invitae), Labcorp
Classification: Uncertain significance for Duchenne muscular dystrophy. Last evaluated: 2025-08-11. Review status: criteria provided, single submitter. Criteria: Invitae Variant Classification Sherloc (09022015). Collection method: clinical testing. Allele origin: germline.
Comment: This sequence change replaces serine, which is neutral and polar, with cysteine, which is neutral and slightly polar, at codon 2793 of the DMD protein (p.Ser2793Cys). This variant is not present in population databases (gnomAD no frequency). This variant has not been reported in the literature in individuals affected with DMD-related conditions. ClinVar contains an entry for this variant (Variation ID: 1957405). Invitae Evidence Modeling of protein sequence and biophysical properties (such as structural, functional, and spatial information, amino acid conservation, physicochemical variation, residue mobility, and thermodynamic stability) indicates that this missense variant is not expected to disrupt DMD protein function with a negative predictive value of 95%. In summary, the available evidence is currently insufficient to determine the role of this variant in disease. Therefore, it has been classified as a Variant of Uncertain Significance.

Revvity Omics, Revvity
Classification: Uncertain significance. Last evaluated: 2023-01-03. Review status: criteria provided, single submitter. Criteria: ACMG Guidelines, 2015. Collection method: clinical testing. Allele origin: germline.